The following is an entry in ClinVar:

NM_002225.5(IVD):c.688G>T (p.Gly230Cys)

Gene: IVD (isovaleryl-CoA dehydrogenase; plus strand). Cytogenetic location: 15q15.1.
Variant type: single nucleotide variant.
Coding change: c.688G>T on transcript NM_002225.5 (MANE Select); coding-DNA position 688, G replaced by T.
Protein change: p.Gly230Cys; replaces glycine 230 with cysteine.
Molecular consequence: missense variant. On other transcripts: non-coding transcript variant (1).
Genome position (GRCh38, 1-based): chr15:40,412,991, G>T. VCF-style: chr15-40412991-G-T. GRCh37 (hg19) VCF-style: chr15-40705190-G-T.
Other names: c.697G>T (NM_002225.3); c.598G>T, p.Gly200Cys (NM_001159508.3); c.640G>T, p.Gly214Cys (NM_001354597.3); c.688G>T, p.Gly230Cys (NM_001354598.3, NM_001354601.3); c.775G>T, p.Gly259Cys (NM_001354599.3, NM_001354600.3); short protein forms G230C, G200C, G259C, G214C.
Identifiers: ClinVar variation 1947280 (VCV001947280.6), dbSNP rs778857245, ClinGen allele CA7480724.

ClinVar aggregate classification (germline): Uncertain significance. Review status: criteria provided, multiple submitters, no conflicts (2 of 4 stars). 2 submissions from 2 submitters: Uncertain significance (2). Last evaluated 2026-02-17.

Conditions:
Isovaleryl-CoA dehydrogenase deficiency (IVA). Also called: ISOVALERIC ACID CoA DEHYDROGENASE DEFICIENCY; Classic Isovaleric Acidemia; Isovaleric acidemia; IVD DEFICIENCY. Identifiers: Orphanet 33, MedGen C0268575, MONDO:0009475, OMIM 243500.

Allele frequency attached by ClinVar (database versions not stated): ExAC 0.00001; gnomAD 0.00001; gnomAD exomes 0.00001.
gnomAD v4.1: 12 of 1,613,414 alleles (0.00074%); highest among the groups gnomAD compares: African/African-American, 0.0027%; no homozygotes.

Submissions (2):

GeneDx
Classification: Uncertain significance. Last evaluated: 2026-02-17. Review status: criteria provided, single submitter. Criteria: GeneDx Variant Classification Process June 2021. Collection method: clinical testing. Allele origin: germline.
Comment: Not observed at significant frequency in large population cohorts (gnomAD); In silico analysis supports that this missense variant has a deleterious effect on protein structure/function; Has not been previously published as pathogenic or benign to our knowledge; In silico analysis suggests this variant may impact gene splicing. In the absence of RNA/functional studies, the actual effect of this sequence change is unknown.

Labcorp Genetics (formerly Invitae), Labcorp
Classification: Uncertain significance for Isovaleryl-CoA dehydrogenase deficiency. Last evaluated: 2023-10-03. Review status: criteria provided, single submitter. Criteria: Invitae Variant Classification Sherloc (09022015). Collection method: clinical testing. Allele origin: germline.
Comment: This sequence change replaces glycine, which is neutral and non-polar, with cysteine, which is neutral and slightly polar, at codon 233 of the IVD protein (p.Gly233Cys). This variant is present in population databases (rs778857245, gnomAD 0.01%). This variant has not been reported in the literature in individuals affected with IVD-related conditions. ClinVar contains an entry for this variant (Variation ID: 1947280). An algorithm developed to predict the effect of missense changes on protein structure and function (PolyPhen-2) suggests that this variant is likely to be disruptive. Algorithms developed to predict the effect of sequence changes on RNA splicing suggest that this variant may create or strengthen a splice site. In summary, the available evidence is currently insufficient to determine the role of this variant in disease. Therefore, it has been classified as a Variant of Uncertain Significance.